The following is an entry in ClinVar:

ClinVar aggregate classification (germline): Uncertain significance (1 of 4 stars; one submission).

Allele frequency attached by ClinVar (database versions not stated): gnomAD exomes below 0.00001.

Submission:

Labcorp Genetics (formerly Invitae), Labcorp
Classification: Uncertain significance. Last evaluated: 2023-12-20. Review status: criteria provided, single submitter. Criteria: Invitae Variant Classification Sherloc (09022015). Collection method: clinical testing. Allele origin: germline.
Comment: This sequence change replaces histidine, which is basic and polar, with arginine, which is basic and polar, at codon 258 of the GHSR protein (p.His258Arg). This variant is not present in population databases (gnomAD no frequency). This variant has not been reported in the literature in individuals affected with GHSR-related conditions. Advanced modeling of protein sequence and biophysical properties (such as structural, functional, and spatial information, amino acid conservation, physicochemical variation, residue mobility, and thermodynamic stability) performed at Invitae indicates that this missense variant is not expected to disrupt GHSR protein function with a negative predictive value of 80%. In summary, the available evidence is currently insufficient to determine the role of this variant in disease. Therefore, it has been classified as a Variant of Uncertain Significance.

NM_198407.2(GHSR):c.773A>G (p.His258Arg)

Gene: GHSR (growth hormone secretagogue receptor; minus strand). Cytogenetic location: 3q26.31.
Variant type: single nucleotide variant.
Coding change: c.773A>G on transcript NM_198407.2 (MANE Select); coding-DNA position 773, A replaced by G.
Protein change: p.His258Arg; replaces histidine 258 with arginine.
Molecular consequence: missense variant.
Genome position (GRCh38, 1-based): chr3:172,447,641, T>C on the plus strand (A>G on the coding strand, the complement: GHSR is on the minus strand). VCF-style: chr3-172447641-T-C. GRCh37 (hg19) VCF-style: chr3-172165431-T-C.
Other names: c.773A>G, p.His258Arg (NM_004122.2); short protein forms H258R.
Identifiers: ClinVar variation 2704390 (VCV002704390.3), dbSNP rs2473556925, ClinGen allele CA355513594.